The following is an entry in ClinVar:

ClinVar aggregate classification (germline): Uncertain significance (1 of 4 stars; one submission).

Conditions:
Muscular dystrophy-dystroglycanopathy (congenital with brain and eye anomalies), type a, 8 (MDDGA8). Also called: WALKER-WARBURG SYNDROME OR MUSCLE-EYE-BRAIN DISEASE, GTDC2-RELATED. Identifiers: Orphanet 899, MedGen C3553813, MONDO:0013904, OMIM 614830.

Submission:

Labcorp Genetics (formerly Invitae), Labcorp
Classification: Uncertain significance for Muscular dystrophy-dystroglycanopathy (congenital with brain and eye anomalies), type a, 8. Last evaluated: 2024-11-05. Review status: criteria provided, single submitter. Criteria: Invitae Variant Classification Sherloc (09022015). Collection method: clinical testing. Allele origin: germline.
Comment: This sequence change replaces leucine, which is neutral and non-polar, with phenylalanine, which is neutral and non-polar, at codon 10 of the POMGNT2 protein (p.Leu10Phe). This variant is not present in population databases (gnomAD no frequency). This variant has not been reported in the literature in individuals affected with POMGNT2-related conditions. ClinVar contains an entry for this variant (Variation ID: 1713325). Invitae Evidence Modeling of protein sequence and biophysical properties (such as structural, functional, and spatial information, amino acid conservation, physicochemical variation, residue mobility, and thermodynamic stability) indicates that this missense variant is not expected to disrupt POMGNT2 protein function with a negative predictive value of 80%. In summary, the available evidence is currently insufficient to determine the role of this variant in disease. Therefore, it has been classified as a Variant of Uncertain Significance.

NM_032806.6(POMGNT2):c.28C>T (p.Leu10Phe)

Gene: POMGNT2 (protein O-linked mannose N-acetylglucosaminyltransferase 2 (beta 1,4-); minus strand). Cytogenetic location: 3p22.1.
Variant type: single nucleotide variant.
Coding change: c.28C>T on transcript NM_032806.6 (MANE Select); coding-DNA position 28, C replaced by T.
Protein change: p.Leu10Phe; replaces leucine 10 with phenylalanine.
Molecular consequence: missense variant.
Genome position (GRCh38, 1-based): chr3:43,081,404, G>A on the plus strand (C>T on the coding strand, the complement: POMGNT2 is on the minus strand). VCF-style: chr3-43081404-G-A. GRCh37 (hg19) VCF-style: chr3-43122896-G-A.
Other names: short protein forms L10F.
Identifiers: ClinVar variation 1713325 (VCV001713325.5), dbSNP rs2528901989, ClinGen allele CA352304079.